The following is an entry in ClinVar:

ClinVar aggregate classification (germline): Conflicting classifications of pathogenicity. Review status: criteria provided, conflicting classifications (1 of 4 stars). 5 submissions from 5 submitters: Likely pathogenic (2); Uncertain significance (1). 2 of the submissions do not count toward it. Last evaluated 2025-04-23.

Conditions:
Hereditary breast ovarian cancer syndrome. Also called: Hereditary breast and ovarian cancer syndrome (HBOC); Breast and ovarian cancer; Hereditary breast and ovarian cancer syndrome; Hereditary breast and ovarian cancer; BRCA1- and BRCA2-Associated Hereditary Breast and Ovarian Cancer; Hereditary breast and/or ovarian cancer syndrome. Identifiers: Orphanet 145, MedGen C0677776, MeSH D061325, MONDO:0003582. Disease mechanism: loss of function.
Breast-ovarian cancer, familial, susceptibility to, 1 (BROVCA1). Also called: BRCA1 Hereditary Breast and Ovarian Cancer; OVARIAN CANCER, SUSCEPTIBILITY TO. Identifiers: Orphanet 145, MedGen C2676676, MONDO:0011450, OMIM 604370. Disease mechanism: loss of function.
Malignant tumor of breast. Also called: Malignant breast neoplasm; Cancer breast. Identifiers: MedGen C0006142, MONDO:0007254. Disease mechanism: loss of function.

Submissions (6):

Labcorp Genetics (formerly Invitae), Labcorp
Classification: Uncertain significance for Hereditary breast ovarian cancer syndrome. Last evaluated: 2025-04-23. Review status: criteria provided, single submitter. Criteria: Invitae Variant Classification Sherloc (09022015). Collection method: clinical testing. Allele origin: germline.
Comment: This sequence change replaces aspartic acid, which is acidic and polar, with alanine, which is neutral and non-polar, at codon 1692 of the BRCA1 protein (p.Asp1692Ala). This variant is not present in population databases (gnomAD no frequency). This missense change has been observed in individual(s) with clinical features of BRCA1-related conditions (PMID: 27495310, 34981296). ClinVar contains an entry for this variant (Variation ID: 254641). An algorithm developed to predict the effect of missense changes on protein structure and function (PolyPhen-2) suggests that this variant is likely to be tolerated. Experimental studies have shown that this missense change affects BRCA1 function (PMID: 27495310, 30458859). In summary, the available evidence is currently insufficient to determine the role of this variant in disease. Therefore, it has been classified as a Variant of Uncertain Significance.

Myriad Genetics, Inc.
Classification: Likely pathogenic for Breast-ovarian cancer, familial, susceptibility to, 1. Last evaluated: 2023-06-09. Review status: criteria provided, single submitter. Criteria: Myriad Autosomal Dominant, Autosomal Recessive and X-Linked Classification Criteria (2023). Collection method: clinical testing. Allele origin: unknown.
Comment: This variant is considered likely pathogenic. Functional studies indicate this variant impacts protein function [PMID: 30209399, 35196514].

Institute for Clinical Genetics, University Hospital TU Dresden, University Hospital TU Dresden
Classification: Likely pathogenic. Last evaluated: 2021-11-03. Review status: criteria provided, single submitter. Criteria: ACMG Guidelines, 2015. Collection method: clinical testing. Allele origin: germline.

Department of Medical Genetics, University Hospital of North Norway
Classification: Uncertain significance for Breast-ovarian cancer, familial, susceptibility to, 1. Last evaluated: 2016-05-01. Review status: no assertion criteria provided. Collection method: clinical testing. Allele origin: germline. Affected: no. Observed: 1 variant allele. Not counted in ClinVar's aggregate classification.

Brotman Baty Institute, University of Washington
No classification provided (evidence only). Condition: Breast-ovarian cancer, familial 1. Review status: no classification provided. Collection method: in vitro. Allele origin: not applicable. Functional consequence: functionally_abnormal. Not counted in ClinVar's aggregate classification.
ClinVar note: "not provided" was previously submitted as the classification for the variant. However, the classification appeared to be based only on an observation of functional data so it was converted to no classification on 2025-07-30.

Department of Pathology and Laboratory Medicine, Sinai Health System
Classification: Uncertain significance for Malignant tumor of breast. Review status: no assertion criteria provided. Collection method: clinical testing. Allele origin: unknown. Affected: yes. Study: The Canadian Open Genetics Repository (COGR). Not counted in ClinVar's aggregate classification.
Comment: The p.Asp1692Ala variant has not been reported in the literature. The variant occurs in the first base of the exon, and this position has been shown to be part of the splicing consensus sequence and variants involving this position sometimes affect splicing. The p.Asp1692 residue is conserved across mammals and computational analyses (PolyPhen, SIFT, AlignGVGD) computational analyses (PolyPhen2, SIFT, AlignGVGD) provide inconsistent predictions regarding the impact to the protein. However, this information is not predictive enough to assume pathogenicity. In summary, based on the above information, the clinical significance of this variant cannot be determined at this time. This variant is classified as a variant of unknown significance.

Literature cited by the submitters: PubMed 27495310 (cited by Labcorp Genetics (formerly Invitae), Labcorp and Department of Medical Genetics, University Hospital of North Norway); PubMed 34981296 (cited by Labcorp Genetics (formerly Invitae), Labcorp); PubMed 30458859 (cited by Labcorp Genetics (formerly Invitae), Labcorp); PubMed 30209399 (cited by Myriad Genetics, Inc.); PubMed 35196514 (cited by Myriad Genetics, Inc.).

NM_007294.4(BRCA1):c.5075A>C (p.Asp1692Ala)

Gene: BRCA1 (BRCA1 DNA repair associated; minus strand). Cytogenetic location: 17q21.31.
Variant type: single nucleotide variant.
Coding change: c.5075A>C on transcript NM_007294.4 (MANE Select); coding-DNA position 5075, A replaced by C.
Protein change: p.Asp1692Ala; replaces aspartic acid 1692 with alanine.
Molecular consequence: missense variant. On other transcripts: non-coding transcript variant (1).
Genome position (GRCh38, 1-based): chr17:43,063,951, T>G on the plus strand (A>C on the coding strand, the complement: BRCA1 is on the minus strand). VCF-style: chr17-43063951-T-G. GRCh37 (hg19) VCF-style: chr17-41215968-T-G.
Other names: c.4862A>C, p.Asp1621Ala (NM_001407571.1, NM_001407902.1, NM_001407904.1 and 12 more transcripts); c.5141A>C, p.Asp1714Ala (NM_001407581.1, NM_001407582.1); c.5138A>C, p.Asp1713Ala (NM_001407583.1, NM_001407585.1, NM_001407587.1 and 1 more transcripts); c.5135A>C, p.Asp1712Ala (NM_001407590.1, NM_001407591.1); c.5075A>C, p.Asp1692Ala (NM_001407593.1, NM_001407594.1, NM_001407596.1 and 7 more transcripts); c.5072A>C, p.Asp1691Ala (NM_001407610.1, NM_001407611.1, NM_001407612.1 and 17 more transcripts); c.5069A>C, p.Asp1690Ala (NM_001407628.1, NM_001407629.1, NM_001407630.1 and 14 more transcripts); c.5018A>C, p.Asp1673Ala (NM_001407648.1); and 71 more; short protein forms D1692A, D1645A, D1713A, D588A, D1395A, D1581A, D1625A, D1651A.
Identifiers: ClinVar variation 254641 (VCV000254641.10), dbSNP rs397509222, ClinGen allele CA10586678.
Genomic context (GRCh38, chr17:43,063,951, plus strand): 5'-CATTTTCCTCCCGCAATTCCTAGAAAATATTTCAGTGTCCGTTCACACACAAACTCAGCA[T>G]CTGCAGAATGAAAAACACTCAAAGGATTAGAAGTTGAAAACAAAATCAGGAAGTGCTGTC-3'
Protein context (NP_009225.1, residues 1682-1702): EETTHVVMKT[Asp1692Ala]AEFVCERTLK